The following is an entry in ClinVar:

Conditions:
Arteriohepatic dysplasia. Also called: Alagille Syndrome. Identifiers: Orphanet 52, MedGen C0085280, MeSH D016738, MONDO:0007318.

Submission:

Gilbert/Spinner Lab, Children's Hospital of Philadelphia
No classification provided (evidence only). Condition: Alagille syndrome. Review status: no classification provided. Collection method: research. Allele origin: not applicable. Functional consequence: functionally_abnormal.
ClinVar note: "not provided" was previously submitted as the classification for the variant. However, the classification appeared to be based only on an observation of functional data so it was converted to no classification on 2025-07-30.

NM_000214.3(JAG1):c.878G>T (p.Cys293Phe)

Gene: JAG1 (jagged canonical Notch ligand 1; minus strand). Cytogenetic location: 20p12.2.
Variant type: single nucleotide variant.
Coding change: c.878G>T on transcript NM_000214.3 (MANE Select); coding-DNA position 878, G replaced by T.
Protein change: p.Cys293Phe; replaces cysteine 293 with phenylalanine.
Molecular consequence: missense variant.
Genome position (GRCh38, 1-based): chr20:10,652,476, C>A on the plus strand (G>T on the coding strand, the complement: JAG1 is on the minus strand). VCF-style: chr20-10652476-C-A. GRCh37 (hg19) VCF-style: chr20-10633124-C-A.
Other names: short protein forms C293F.
Identifiers: ClinVar variation 3573159 (VCV003573159.2).